The following is an entry in ClinVar:

NM_018979.4(WNK1):c.5364+6T>C

Gene: WNK1 (WNK lysine deficient protein kinase 1; plus strand). Cytogenetic location: 12p13.33.
Variant type: single nucleotide variant.
Coding change: c.5364+6T>C on transcript NM_018979.4 (MANE Select); 6 bases into the intron after coding-DNA position 5364, T replaced by C.
Molecular consequence: intron variant.
Genome position (GRCh38, 1-based): chr12:887,310, T>C. VCF-style: chr12-887310-T-C. GRCh37 (hg19) VCF-style: chr12-996476-T-C.
Other names: c.6120+6T>C (NM_213655.5); c.6144+6T>C (NM_001184985.2); c.4623+6T>C (NM_014823.3).
Identifiers: ClinVar variation 2944598 (VCV002944598.3), dbSNP rs2497192156, ClinGen allele CA2740092306.
Genomic context (GRCh38, chr12:887,310, plus strand): 5'-AGGTACTCTACCCAGCGAGCAGCTGCCACCTTTTCCAGGACCTTCTCTAACCCAGGTGCC[T>C]CAAGACTTGACAAATTTCTTCCTGTGCCCTACTTTCTTTGACAAAGCTTGCTGAAGTTCT-3'

ClinVar aggregate classification (germline): Uncertain significance (1 of 4 stars; one submission).

Conditions:
Neuropathy, hereditary sensory and autonomic, type 2A (HSAN2A). Also called: ACROOSTEOLYSIS, GIACCAI TYPE; ACROOSTEOLYSIS, NEUROGENIC; MORVAN DISEASE; NEUROPATHY, CONGENITAL SENSORY; NEUROPATHY, HEREDITARY SENSORY RADICULAR, AUTOSOMAL RECESSIVE; NEUROPATHY, HEREDITARY SENSORY, TYPE IIA. Identifiers: Orphanet 970, MedGen C2752089, MONDO:0024309, OMIM 201300.
Pseudohypoaldosteronism type 2C (PHA2C). Also called: Pseudohypoaldosteronism Type IIC. Identifiers: Orphanet 757, Orphanet 88940, MedGen C1840391, MONDO:0013778, OMIM 614492.

Submission:

Labcorp Genetics (formerly Invitae), Labcorp
Classification: Uncertain significance for Neuropathy, hereditary sensory and autonomic, type 2A; Pseudohypoaldosteronism type 2C. Last evaluated: 2023-02-22. Review status: criteria provided, single submitter. Criteria: Invitae Variant Classification Sherloc (09022015). Collection method: clinical testing. Allele origin: germline.
Comment: In summary, the available evidence is currently insufficient to determine the role of this variant in disease. Therefore, it has been classified as a Variant of Uncertain Significance. Variants that disrupt the consensus splice site are a relatively common cause of aberrant splicing (PMID: 17576681, 9536098). Algorithms developed to predict the effect of sequence changes on RNA splicing suggest that this variant is not likely to affect RNA splicing. This variant has not been reported in the literature in individuals affected with WNK1-related conditions. This variant is not present in population databases (gnomAD no frequency). This sequence change falls in intron 20 of the WNK1 gene. It does not directly change the encoded amino acid sequence of the WNK1 protein. It affects a nucleotide within the consensus splice site.

Literature cited by the submitters: PubMed 17576681; PubMed 9536098.